The following is an entry in ClinVar:

NM_000329.3(RPE65):c.1243+10T>C

Gene: RPE65 (retinoid isomerohydrolase RPE65; minus strand). Cytogenetic location: 1p31.3.
Variant type: single nucleotide variant.
Coding change: c.1243+10T>C on transcript NM_000329.3 (MANE Select); 10 bases into the intron after coding-DNA position 1243, T replaced by C.
Molecular consequence: intron variant.
Genome position (GRCh38, 1-based): chr1:68,431,461, A>G on the plus strand (T>C on the coding strand, the complement: RPE65 is on the minus strand). VCF-style: chr1-68431461-A-G. GRCh37 (hg19) VCF-style: chr1-68897144-A-G.
Identifiers: ClinVar variation 298019 (VCV000298019.21), dbSNP rs548537552, ClinGen allele CA902243.
Genomic context (GRCh38, chr1:68,431,461, plus strand): 5'-GAAAACTCTTAATCTCTTTGAAAGAAACATTTGTTCACTCCCGTGTGAAGTTTTCTCTAG[A>G]TCATCTCACCTTGACGAGGCCCTGAAAAGAGAACTTCAGGCTCCAGCCAGATAGTCTCGT-3'

ClinVar aggregate classification (germline): Likely benign. Review status: reviewed by expert panel (3 of 4 stars). 5 submissions from 5 submitters: Likely benign (1). 4 of the submissions do not count toward it. Last evaluated 2026-06-23.

Conditions:
RPE65-related recessive retinopathy. Also called: Recessive RPE65 retinopathy. Identifiers: MedGen CN305526, MONDO:0100368.
Leber congenital amaurosis 2 (LCA2). Also called: Autosomal Recessive RPE65-Related Retinal Degeneration; AMAUROSIS CONGENITA OF LEBER II. Identifiers: Orphanet 65, MedGen C1859844, MONDO:0008765, OMIM 204100. Disease mechanism: loss of function.
Retinitis pigmentosa 20 (RP20). Identifiers: Orphanet 791, MedGen C3151086, MONDO:0013425, OMIM 613794.
RPE65-related disorder. Also called: RPE65-related condition; RPE65-related disorders. Identifiers: MedGen CN239301.

Allele frequency attached by ClinVar (database versions not stated): gnomAD 0.00001; ExAC 0.00002; gnomAD exomes 0.00002 and 0.00003; TOPMed 0.00002.
gnomAD v4.1: 43 of 1,613,596 alleles (0.0027%); highest among the groups gnomAD compares: Middle Eastern, 0.13%; no homozygotes.

Submissions (5):

ClinGen Leber Congenital Amaurosis/early Onset Retinal Dystrophy Variant Curation Expert Panel, ClinGen
Classification: Likely benign for RPE65-related recessive retinopathy. Last evaluated: 2026-06-23. Review status: reviewed by expert panel. Criteria: ClinGen LCAeoRD ACMG Specifications RPE65 V1.0.0. Collection method: curation. Allele origin: germline. Inheritance: Autosomal recessive inheritance.
Comment: NM_000329.3(RPE65):c.1243+10T>C is a non-coding variant in intron 11 that falls outside of the splice donor region (+1 through +7) and does not have a predicted impact at splicing sites (BP7). The splicing impact predictor SpliceAI gives a delta score of 0.00, which is below the ClinGen LCA / eoRD VCEP recommended threshold of <0.1 and does not predict an impact on splicing (BP4). This variant is present in gnomAD v.4.1.1 at a GrpMax allele frequency of 0.0006566, with 8 alleles / 6,060 total alleles in the Middle Eastern population, which is higher than the ClinGen LCA / eoRD VCEP PM2_Supporting threshold of <0.0002 and fails to meet PM2_Supporting. In summary, this variant meets the criteria to be classified as Likely Benign for RPE65-related recessive retinopathy based on the ACMG/AMP criteria applied, as specified by the ClinGen LCA / eoRD VCEP: BP4 and BP7. (VCEP specifications version 1.0.0; date of approval 09/21/2023).

Labcorp Genetics (formerly Invitae), Labcorp
Classification: Likely benign for Leber congenital amaurosis 2; Retinitis pigmentosa 20. Last evaluated: 2026-01-20. Review status: criteria provided, single submitter. Criteria: Invitae Variant Classification Sherloc (09022015). Collection method: clinical testing. Allele origin: germline. Not counted in ClinVar's aggregate classification.

PreventionGenetics, part of Exact Sciences
Classification: Likely benign for RPE65-related condition. Last evaluated: 2024-11-14. Review status: criteria provided, single submitter. Criteria: ACMG Guidelines, 2015. Collection method: clinical testing. Allele origin: germline. Not counted in ClinVar's aggregate classification.
Comment: This variant is classified as likely benign based on ACMG/AMP sequence variant interpretation guidelines (Richards et al. 2015 PMID: 25741868, with internal and published modifications).

Blueprint Genetics
Classification: Likely benign. Last evaluated: 2024-08-20. Review status: criteria provided, single submitter. Criteria: ACMG Guidelines, 2015. Collection method: clinical testing. Allele origin: germline. Not counted in ClinVar's aggregate classification.

Centre for Mendelian Genomics, University Medical Centre Ljubljana
Classification: Uncertain significance for Retinitis pigmentosa 20. Last evaluated: 2020-01-30. Review status: criteria provided, single submitter. Criteria: ACMG Guidelines, 2015. Collection method: clinical testing. Allele origin: unknown. Affected: yes. Not counted in ClinVar's aggregate classification.
Comment: This variant was classified as: Uncertain significance. The following ACMG criteria were applied in classifying this variant: PM2.